The following is an entry in ClinVar:

ClinVar aggregate classification (germline): Conflicting classifications of pathogenicity. Review status: criteria provided, conflicting classifications (1 of 4 stars). 5 submissions from 5 submitters: Likely pathogenic (1); Uncertain significance (3); Likely benign (1). Last evaluated 2025-12-13.

Conditions:
Ovarian cancer. Also called: OVARIAN CANCER, SOMATIC. Identifiers: Orphanet 213500, MedGen C1140680, MONDO:0008170, OMIM 167000.
Werner syndrome (WRN). Identifiers: Orphanet 902, MedGen C0043119, MONDO:0010196, OMIM 277700.

Allele frequency attached by ClinVar (database versions not stated): gnomAD 0.00002 and 0.00003; TOPMed 0.00004; gnomAD exomes 0.00007 and 0.00009; ExAC 0.00013; 1000 Genomes Project 30x 0.00016; 1000 Genomes Project 0.00020.
gnomAD v4.1: 104 of 1,614,096 alleles (0.0064%); highest among the groups gnomAD compares: East Asian, 0.23%; no homozygotes.

Submissions (5):

Labcorp Genetics (formerly Invitae), Labcorp
Classification: Uncertain significance for Werner syndrome. Last evaluated: 2025-12-13. Review status: criteria provided, single submitter. Criteria: Invitae Variant Classification Sherloc (09022015). Collection method: clinical testing. Allele origin: germline.
Comment: This sequence change replaces glycine, which is neutral and non-polar, with valine, which is neutral and non-polar, at codon 1298 of the WRN protein (p.Gly1298Val). This variant is present in population databases (rs202129203, gnomAD 0.1%). This variant has not been reported in the literature in individuals affected with WRN-related conditions. ClinVar contains an entry for this variant (Variation ID: 404001). An algorithm developed to predict the effect of missense changes on protein structure and function (PolyPhen-2) suggests that this variant is likely to be disruptive. In summary, the available evidence is currently insufficient to determine the role of this variant in disease. Therefore, it has been classified as a Variant of Uncertain Significance.

3billion
Classification: Likely benign for Werner syndrome. Last evaluated: 2024-09-20. Review status: criteria provided, single submitter. Criteria: ACMG Guidelines, 2015. Collection method: clinical testing. Allele origin: germline. Affected: no.
Comment: The homozygous variant was found in patients diagnosed with another variant in a different gene, with no symptoms related to the gene containing the homozygous variant.

Fulgent Genetics
Classification: Uncertain significance for Werner syndrome. Last evaluated: 2024-01-06. Review status: criteria provided, single submitter. Criteria: ACMG Guidelines, 2015. Collection method: clinical testing. Allele origin: germline.

Laboratory of Molecular Epidemiology of Birth Defects, West China Second University Hospital, Sichuan University
Classification: Likely pathogenic for Ovarian cancer. Last evaluated: 2022-01-01. Review status: criteria provided, single submitter. Criteria: ACMG Guidelines, 2015. Collection method: clinical testing. Allele origin: germline. Affected: yes.

Baylor Genetics
Classification: Uncertain significance for Werner syndrome. Last evaluated: 2021-06-29. Review status: criteria provided, single submitter. Criteria: ACMG Guidelines, 2015. Collection method: clinical testing. Allele origin: unknown. Affected: yes. Study: CSER-TexasKidsCanSeq.
Comment: This variant was determined to be of uncertain significance according to ACMG Guidelines, 2015 [PMID:25741868].

NM_000553.6(WRN):c.3893G>T (p.Gly1298Val)

Gene: WRN (WRN RecQ like helicase; plus strand). Cytogenetic location: 8p12.
Variant type: single nucleotide variant.
Coding change: c.3893G>T on transcript NM_000553.6 (MANE Select); coding-DNA position 3893, G replaced by T.
Protein change: p.Gly1298Val; replaces glycine 1298 with valine.
Molecular consequence: missense variant.
Genome position (GRCh38, 1-based): chr8:31,157,441, G>T. VCF-style: chr8-31157441-G-T. GRCh37 (hg19) VCF-style: chr8-31014957-G-T.
Other names: short protein forms G1298V.
Identifiers: ClinVar variation 404001 (VCV000404001.12), dbSNP rs202129203, ClinGen allele CA4705201.